The following is an entry in ClinVar:

NC_000002.11:g.(?_217285012)_(217315797_?)dup

Gene: SMARCAL1 (SNF2 related chromatin remodeling annealing helicase 1; plus strand). Cytogenetic location: 2q35.
Variant type: Duplication.
Identifiers: ClinVar variation 1066416 (VCV001066416.2).

ClinVar aggregate classification (germline): Likely pathogenic (1 of 4 stars; one submission).

Conditions:
Schimke immuno-osseous dysplasia (SIOD). Also called: Schimke Immunoosseous Dysplasia. Identifiers: Orphanet 1830, MedGen C0877024, MONDO:0009458, OMIM 242900.

Submission:

Labcorp Genetics (formerly Invitae), Labcorp
Classification: Likely pathogenic for Schimke immuno-osseous dysplasia. Last evaluated: 2022-10-03. Review status: criteria provided, single submitter. Criteria: Invitae Variant Classification Sherloc (09022015). Collection method: clinical testing. Allele origin: germline.
Comment: This variant results in a copy number gain of the genomic region encompassing exon(s) 5-12 of the SMARCAL1 gene. While the exact position of this variant cannot be determined from the data, sub-genic copy number gains are generally in tandem (PMID: 25640679). This variant is predicted to be out-of-frame, and may result in an absent or disrupted protein product. Loss-of-function variants in SMARCAL1 are known to be pathogenic (PMID: 11799392, 20301550). This variant has not been reported in the literature in individuals affected with SMARCAL1-related conditions. In summary, the currently available evidence indicates that the variant is pathogenic, but additional data are needed to prove that conclusively. Therefore, this variant has been classified as Likely Pathogenic.

Literature cited by the submitters: PubMed 25640679; PubMed 11799392; PubMed 20301550.